The following is an entry in ClinVar:

NM_003394.4(WNT10B):c.326T>C (p.Ile109Thr)

Gene: WNT10B (Wnt family member 10B; minus strand). Cytogenetic location: 12q13.12.
Variant type: single nucleotide variant.
Coding change: c.326T>C on transcript NM_003394.4 (MANE Select); coding-DNA position 326, T replaced by C.
Protein change: p.Ile109Thr; replaces isoleucine 109 with threonine.
Molecular consequence: missense variant.
Genome position (GRCh38, 1-based): chr12:48,970,100, A>G on the plus strand (T>C on the coding strand, the complement: WNT10B is on the minus strand). VCF-style: chr12-48970100-A-G. GRCh37 (hg19) VCF-style: chr12-49363883-A-G.
Other names: short protein forms I109T.
Identifiers: ClinVar variation 5005111 (VCV005005111.2).

ClinVar aggregate classification (germline): Uncertain significance (1 of 4 stars; one submission).

Conditions:
Split hand-foot malformation 6. Also called: ECTRODACTYLY, AUTOSOMAL RECESSIVE. Identifiers: Orphanet 2440, MedGen C2749665, MONDO:0009157, OMIM 225300.
Tooth agenesis, selective, 8 (STHAG8). Identifiers: Orphanet 99798, MedGen C4310730, MONDO:0014901, OMIM 617073.

Submission:

Juno Genomics, Hangzhou Juno Genomics, Inc
Classification: Uncertain significance for Split hand-foot malformation 6; Tooth agenesis, selective, 8. Review status: criteria provided, single submitter. Criteria: ACMG Guidelines, 2015. Collection method: clinical testing. Allele origin: germline.
Comment: Absent from controls (or at extremely low frequency if recessive) in Genome Aggregation Database.;Multiple lines of computational evidence support a deleterious effect on the gene or gene product.